The following is an entry in ClinVar:

ClinVar aggregate classification (germline): Uncertain significance (1 of 4 stars; one submission).

Submission:

Ambry Genetics
Classification: Uncertain significance. Last evaluated: 2025-08-21. Review status: criteria provided, single submitter. Criteria: Ambry Variant Classification Scheme 2023. Collection method: clinical testing. Allele origin: germline.
Comment: The p.L173M variant (also known as c.517C>A), located in coding exon 1 of the EGLN1 gene, results from a C to A substitution at nucleotide position 517. The leucine at codon 173 is replaced by methionine, an amino acid with highly similar properties. This amino acid position is conserved. In addition, this alteration is predicted to be tolerated by in silico analysis. Since supporting evidence is limited at this time, the clinical significance of this alteration remains unclear.

NM_022051.3(EGLN1):c.517C>A (p.Leu173Met)

Gene: EGLN1 (egl-9 family hypoxia inducible factor 1; minus strand). Cytogenetic location: 1q42.2.
Variant type: single nucleotide variant.
Coding change: c.517C>A on transcript NM_022051.3 (MANE Select); coding-DNA position 517, C replaced by A.
Protein change: p.Leu173Met; replaces leucine 173 with methionine.
Molecular consequence: missense variant.
Genome position (GRCh38, 1-based): chr1:231,421,372, G>T on the plus strand (C>A on the coding strand, the complement: EGLN1 is on the minus strand). VCF-style: chr1-231421372-G-T. GRCh37 (hg19) VCF-style: chr1-231557118-G-T.
Other names: c.517C>A, p.Leu173Met (NM_001377260.1, NM_001377261.1); short protein forms L173M.
Identifiers: ClinVar variation 2589130 (VCV002589130.4), dbSNP rs1656589017, ClinGen allele CA345236749.